The following is an entry in ClinVar:

ClinVar aggregate classification (germline): Likely benign (1 of 4 stars; one submission).

Conditions:
RFX3-related disorder. Also called: RFX3-related condition.

gnomAD v4.1: 56 of 1,613,740 alleles (0.0035%); highest among the groups gnomAD compares: East Asian, 0.0067%; no homozygotes.

Submission:

PreventionGenetics, part of Exact Sciences
Classification: Likely benign for RFX3-related condition. Last evaluated: 2024-10-31. Review status: criteria provided, single submitter. Criteria: ACMG Guidelines, 2015. Collection method: clinical testing. Allele origin: germline.
Comment: This variant is classified as likely benign based on ACMG/AMP sequence variant interpretation guidelines (Richards et al. 2015 PMID: 25741868, with internal and published modifications).

NM_001282116.2(RFX3):c.1116A>G (p.Gln372=)

Gene: RFX3 (regulatory factor X3; minus strand). Cytogenetic location: 9p24.2.
Variant type: single nucleotide variant.
Coding change: c.1116A>G on transcript NM_001282116.2 (MANE Select); coding-DNA position 1116, A replaced by G.
Protein change: p.Gln372=; no amino-acid change (glutamine 372 retained).
Molecular consequence: synonymous variant.
Genome position (GRCh38, 1-based): chr9:3,271,089, T>C on the plus strand (A>G on the coding strand, the complement: RFX3 is on the minus strand). VCF-style: chr9-3271089-T-C. GRCh37 (hg19) VCF-style: chr9-3271089-T-C.
Other names: c.1116A>G, p.Gln372= (NM_001282117.2, NM_001377999.1, NM_002919.4 and 1 more transcripts).
Identifiers: ClinVar variation 4988674 (VCV004988674.1).